The following is an entry in ClinVar:

ClinVar aggregate classification (germline): Uncertain significance. Review status: criteria provided, multiple submitters, no conflicts (2 of 4 stars). 2 submissions from 2 submitters: Uncertain significance (2). Last evaluated 2022-08-07.

Conditions:
Glycogen storage disease IXc (GSD9C). Also called: GSD IXc. Identifiers: Orphanet 264580, MedGen C2751643, MONDO:0013091, OMIM 613027.

Allele frequency attached by ClinVar (database versions not stated): TOPMed 0.00003; gnomAD 0.00005 and 0.00007; ESP Exome Variant Server 0.00008; ExAC 0.00014; gnomAD exomes 0.00014; 1000 Genomes Project 30x 0.00016; 1000 Genomes Project 0.00020.

Submissions (3):

Labcorp Genetics (formerly Invitae), Labcorp
Classification: Uncertain significance for Glycogen storage disease IXc. Last evaluated: 2022-08-07. Review status: criteria provided, single submitter. Criteria: Invitae Variant Classification Sherloc (09022015). Collection method: clinical testing. Allele origin: germline.
Comment: This sequence change falls in intron 6 of the PHKG2 gene. It does not directly change the encoded amino acid sequence of the PHKG2 protein. It affects a nucleotide within the consensus splice site. This variant is present in population databases (rs369684098, gnomAD 0.07%). This variant has not been reported in the literature in individuals affected with PHKG2-related conditions. ClinVar contains an entry for this variant (Variation ID: 318940). Variants that disrupt the consensus splice site are a relatively common cause of aberrant splicing (PMID: 17576681, 9536098). Algorithms developed to predict the effect of sequence changes on RNA splicing suggest that this variant is not likely to affect RNA splicing. In summary, the available evidence is currently insufficient to determine the role of this variant in disease. Therefore, it has been classified as a Variant of Uncertain Significance.

Illumina Laboratory Services, Illumina
Classification: Uncertain significance for Glycogen storage disease IXc. Last evaluated: 2018-01-12. Review status: criteria provided, single submitter. Criteria: ICSL Variant Classification Criteria 13 December 2019. Collection method: clinical testing. Allele origin: germline.

Dr. Peter K. Rogan Lab, Western University
No classification provided (evidence only). Condition: Gastric cancer. Review status: no classification provided. Collection method: in vitro. Allele origin: not applicable. Functional consequence: retained intron. Not counted in ClinVar's aggregate classification.

Literature cited by the submitters: PubMed 17576681 (cited by Labcorp Genetics (formerly Invitae), Labcorp); PubMed 9536098 (cited by Labcorp Genetics (formerly Invitae), Labcorp).

NM_000294.3(PHKG2):c.556+5G>T

Gene: PHKG2 (phosphorylase kinase catalytic subunit gamma 2; plus strand). Cytogenetic location: 16p11.2.
Variant type: single nucleotide variant.
Coding change: c.556+5G>T on transcript NM_000294.3 (MANE Select); 5 bases into the intron after coding-DNA position 556, G replaced by T.
Molecular consequence: intron variant.
Genome position (GRCh38, 1-based): chr16:30,753,562, G>T. VCF-style: chr16-30753562-G-T. GRCh37 (hg19) VCF-style: chr16-30764883-G-T.
Other names: c.556+5G>T (NM_001172432.2).
Identifiers: ClinVar variation 318940 (VCV000318940.8), dbSNP rs369684098, ClinGen allele CA8013210.